The following is an entry in ClinVar:

NM_001458.5(FLNC):c.5978T>G (p.Leu1993Arg)

Genes: FLNC (filamin C; plus strand), FLNC-AS1 (FLNC antisense RNA 1; minus strand). Cytogenetic location: 7q32.1.
Variant type: single nucleotide variant.
Coding change: c.5978T>G on transcript NM_001458.5 (MANE Select); coding-DNA position 5978, T replaced by G.
Protein change: p.Leu1993Arg; replaces leucine 1993 with arginine.
Molecular consequence: missense variant.
Genome position (GRCh38, 1-based): chr7:128,852,726, T>G. VCF-style: chr7-128852726-T-G. GRCh37 (hg19) VCF-style: chr7-128492780-T-G.
Other names: c.5879T>G, p.Leu1960Arg (NM_001127487.2); short protein forms L1960R, L1993R.
Identifiers: ClinVar variation 860440 (VCV000860440.9), dbSNP rs1808872550, ClinGen allele CA369210725.
Genomic context (GRCh38, chr7:128,852,726, plus strand): 5'-ATCTGAGCCAGCTGACCGCCAGCATCCGTGCCCCCTCGGGCAACGAGGAGCCCTGCCTGC[T>G]GAAGCGCCTGCCCAACCGGCACATTGGTGAGCGTGGGGCCTCACGGGGACCTCAGGGGTG-3'
Protein context (NP_001449.3, residues 1983-2003): APSGNEEPCL[Leu1993Arg]KRLPNRHIGI

ClinVar aggregate classification (germline): Uncertain significance. Review status: criteria provided, multiple submitters, no conflicts (2 of 4 stars). 2 submissions from 2 submitters: Uncertain significance (2). Last evaluated 2022-03-23.

Conditions:
Myofibrillar myopathy 5. Also called: FILAMINOPATHY, AUTOSOMAL DOMINANT; Filaminopathy (type). Identifiers: Orphanet 171445, MedGen C1836050, MONDO:0012289, OMIM 609524.
Distal myopathy with posterior leg and anterior hand involvement. Also called: WILLIAMS DISTAL MYOPATHY. Identifiers: Orphanet 63273, MedGen C3279722, MONDO:0013550, OMIM 614065.
Hypertrophic cardiomyopathy 26. Also called: Cardiomyopathy, familial hypertrophic, 26. Identifiers: Orphanet 75249, MedGen C4310749, MONDO:0014883, OMIM 617047.

Submissions (2):

Labcorp Genetics (formerly Invitae), Labcorp
Classification: Uncertain significance for Distal myopathy with posterior leg and anterior hand involvement; Myofibrillar myopathy 5; Hypertrophic cardiomyopathy 26. Last evaluated: 2022-03-23. Review status: criteria provided, single submitter. Criteria: Invitae Variant Classification Sherloc (09022015). Collection method: clinical testing. Allele origin: germline.
Comment: In summary, the available evidence is currently insufficient to determine the role of this variant in disease. Therefore, it has been classified as a Variant of Uncertain Significance. Algorithms developed to predict the effect of missense changes on protein structure and function are either unavailable or do not agree on the potential impact of this missense change (SIFT: "Deleterious"; PolyPhen-2: "Probably Damaging"; Align-GVGD: "Class C0"). ClinVar contains an entry for this variant (Variation ID: 860440). This variant has not been reported in the literature in individuals affected with FLNC-related conditions. This variant is not present in population databases (gnomAD no frequency). This sequence change replaces leucine, which is neutral and non-polar, with arginine, which is basic and polar, at codon 1993 of the FLNC protein (p.Leu1993Arg).

GeneDx
Classification: Uncertain significance. Last evaluated: 2019-06-21. Review status: criteria provided, single submitter. Criteria: GeneDx Variant Classification Process June 2021. Collection method: clinical testing. Allele origin: germline. Affected: yes.
Comment: Not observed in large population cohorts (Lek et al., 2016); In silico analysis, which includes protein predictors and evolutionary conservation, supports a deleterious effect; Has not been previously published as pathogenic or benign to our knowledge